The following is an entry in ClinVar:

ClinVar aggregate classification (germline): Likely pathogenic (1 of 4 stars; one submission).

Conditions:
Gorlin syndrome. Also called: Basal cell nevus syndrome; Nevoid Basal Cell Carcinoma Syndrome. Identifiers: Orphanet 377, MedGen C0004779, MONDO:0007187.

Submission:

Labcorp Genetics (formerly Invitae), Labcorp
Classification: Likely pathogenic for Gorlin syndrome. Last evaluated: 2021-04-23. Review status: criteria provided, single submitter. Criteria: Invitae Variant Classification Sherloc (09022015). Collection method: clinical testing. Allele origin: germline.
Comment: This variant has not been reported in the literature in individuals with PTCH1-related conditions. In summary, the currently available evidence indicates that the variant is pathogenic, but additional data are needed to prove that conclusively. Therefore, this variant has been classified as Likely Pathogenic. This variant disrupts the p.Ser554 amino acid residue in PTCH1. Other variant(s) that disrupt this residue have been determined to be pathogenic (PMID: 15565302, 28596197). This suggests that this residue is clinically significant, and that variants that disrupt this residue are likely to be disease-causing. Experimental studies and prediction algorithms are not available or were not evaluated, and the functional significance of this variant is currently unknown. This variant is a gross deletion of the genomic region encompassing exon(s) 12 of the PTCH1 gene. This variant would be expected to be in-frame, preserving the integrity of the reading frame.

Literature cited by the submitters: PubMed 15565302; PubMed 28596197.

NC_000009.11:g.(?_98238306)_(98238451_?)del

Gene: PTCH1 (patched 1; minus strand). Cytogenetic location: 9q22.32.
Variant type: Deletion.
Identifiers: ClinVar variation 1507436 (VCV001507436.9).